The following is an entry in ClinVar:

ClinVar aggregate classification (germline): Uncertain significance (1 of 4 stars; one submission).

Conditions:
Autosomal recessive severe congenital neutropenia due to CSF3R deficiency. Also called: Neutropenia, severe congenital, 7, autosomal recessive. Identifiers: Orphanet 420702, MedGen C4310764, MONDO:0014865, OMIM 617014.

Allele frequency attached by ClinVar (database versions not stated): gnomAD exomes below 0.00001; TOPMed below 0.00001; ExAC 0.00001; ESP Exome Variant Server 0.00008.
gnomAD v4.1: 2 of 1,614,022 alleles (0.00012%); highest among the groups gnomAD compares: Non-Finnish European, 0.00017%; no homozygotes.

Submission:

Labcorp Genetics (formerly Invitae), Labcorp
Classification: Uncertain significance for Autosomal recessive severe congenital neutropenia due to CSF3R deficiency. Last evaluated: 2021-05-26. Review status: criteria provided, single submitter. Criteria: Invitae Variant Classification Sherloc (09022015). Collection method: clinical testing. Allele origin: germline.
Comment: In summary, the available evidence is currently insufficient to determine the role of this variant in disease. Therefore, it has been classified as a Variant of Uncertain Significance. Algorithms developed to predict the effect of sequence changes on RNA splicing suggest that this variant may disrupt the consensus splice site, but this prediction has not been confirmed by published transcriptional studies. This variant has not been reported in the literature in individuals with CSF3R-related conditions. This variant is present in population databases (rs368422027, ExAC 0.002%). This sequence change falls in intron 5 of the CSF3R gene. It does not directly change the encoded amino acid sequence of the CSF3R protein.

NM_000760.4(CSF3R):c.486-5G>A

Gene: CSF3R (colony stimulating factor 3 receptor; minus strand). Cytogenetic location: 1p34.3.
Variant type: single nucleotide variant.
Coding change: c.486-5G>A on transcript NM_000760.4 (MANE Select); 5 bases into the intron before coding-DNA position 486, G replaced by A.
Molecular consequence: intron variant.
Genome position (GRCh38, 1-based): chr1:36,473,627, C>T on the plus strand (G>A on the coding strand, the complement: CSF3R is on the minus strand). VCF-style: chr1-36473627-C-T. GRCh37 (hg19) VCF-style: chr1-36939228-C-T.
Other names: c.486-5G>A (NM_156039.3, NM_172313.3).
Identifiers: ClinVar variation 1971223 (VCV001971223.5), dbSNP rs368422027, ClinGen allele CA769453.
Genomic context (GRCh38, chr1:36,473,627, plus strand): 5'-CCTTGGGCACGCAGTCCAGGATGGAGTCCCCTTGGGTCTGACAGTTGCCCCGGCTCCTGC[C>T]AATAGTCCAGGCTTGGGTGCCAAGCAGAGGAAGAAAGCGAGGCTCCCTTCTCCCTCCCAG-3'